The following is an entry in ClinVar:

NM_001378743.1(CYLD):c.1949+5G>A

Genes: CYLD (CYLD lysine 63 deubiquitinase; plus strand), CYLD-AS2 (CYLD antisense RNA 2; minus strand). Cytogenetic location: 16q12.1.
Variant type: single nucleotide variant.
Coding change: c.1949+5G>A on transcript NM_001378743.1 (MANE Select); 5 bases into the intron after coding-DNA position 1949, G replaced by A.
Molecular consequence: intron variant.
Genome position (GRCh38, 1-based): chr16:50,784,456, G>A. VCF-style: chr16-50784456-G-A. GRCh37 (hg19) VCF-style: chr16-50818367-G-A.
Other names: c.1949+5G>A (NM_015247.3); c.1940+5G>A (NM_001378745.1, NM_001378744.1, NM_001042355.2 and 6 more transcripts); c.1910+5G>A (NM_001378753.1, NM_001378751.1, NM_001378752.1); c.1274+5G>A (NM_001378754.1, NM_001378755.1).
Identifiers: ClinVar variation 3370156 (VCV003370156.1).

ClinVar aggregate classification (germline): Uncertain significance (1 of 4 stars; one submission).

Submission:

GeneDx
Classification: Uncertain significance. Last evaluated: 2023-12-21. Review status: criteria provided, single submitter. Criteria: GeneDx Variant Classification Process June 2021. Collection method: clinical testing. Allele origin: germline. Affected: yes.
Comment: Not observed at significant frequency in large population cohorts (gnomAD); Intronic +5 splice site variant in a gene for which loss of function is a known mechanism of disease, and both splice predictors and evolutionary conservation support a deleterious effect, although in the absence of functional evidence the actual effect of this sequence change is unknown.; Has not been previously published as pathogenic or benign to our knowledge